The following is an entry in ClinVar:

ClinVar aggregate classification (germline): Uncertain significance (1 of 4 stars; one submission).

Submission:

GeneDx
Classification: Uncertain significance. Last evaluated: 2020-09-29. Review status: criteria provided, single submitter. Criteria: GeneDx Variant Classification Process June 2021. Collection method: clinical testing. Allele origin: germline. Affected: yes.
Comment: Not observed in large population cohorts (Lek et al., 2016); In silico analysis supports that this missense variant has a deleterious effect on protein structure/function; Has not been previously published as pathogenic or benign to our knowledge

NM_020919.4(ALS2):c.624T>G (p.Cys208Trp)

Gene: ALS2 (alsin Rho guanine nucleotide exchange factor ALS2; minus strand). Cytogenetic location: 2q33.1.
Variant type: single nucleotide variant.
Coding change: c.624T>G on transcript NM_020919.4 (MANE Select); coding-DNA position 624, T replaced by G.
Protein change: p.Cys208Trp; replaces cysteine 208 with tryptophan.
Molecular consequence: missense variant.
Genome position (GRCh38, 1-based): chr2:201,761,370, A>C on the plus strand (T>G on the coding strand, the complement: ALS2 is on the minus strand). VCF-style: chr2-201761370-A-C. GRCh37 (hg19) VCF-style: chr2-202626093-A-C.
Other names: c.624T>G, p.Cys208Trp (NM_001135745.2); short protein forms C208W.
Identifiers: ClinVar variation 387520 (VCV000387520.3), dbSNP rs1057522810, ClinGen allele CA16604088.